The following is an entry in ClinVar:

NM_004380.3(CREBBP):c.2854G>A (p.Val952Met)

Gene: CREBBP (CREB binding lysine acetyltransferase; minus strand). Cytogenetic location: 16p13.3.
Variant type: single nucleotide variant.
Coding change: c.2854G>A on transcript NM_004380.3 (MANE Select); coding-DNA position 2854, G replaced by A.
Protein change: p.Val952Met; replaces valine 952 with methionine.
Molecular consequence: missense variant.
Genome position (GRCh38, 1-based): chr16:3,770,596, C>T on the plus strand (G>A on the coding strand, the complement: CREBBP is on the minus strand). VCF-style: chr16-3770596-C-T. GRCh37 (hg19) VCF-style: chr16-3820597-C-T.
Other names: c.2740G>A, p.Val914Met (NM_001079846.1); short protein forms V914M, V952M.
Identifiers: ClinVar variation 998205 (VCV000998205.9), dbSNP rs369930675, ClinGen allele CA7870022.
Genomic context (GRCh38, chr16:3,770,596, plus strand): 5'-TTGGCCCAAAAACAGCAGAGACAGAGAGGCTTACCGGTGTGCCAGGAGGCTGGGCGTGCA[C>T]AGGCGTCGGCTGTTGCTGCGATGACTGAGGGGTAGCCACAGACGGGGGCTGAACTGGGGT-3'
Protein context (NP_004371.2, residues 942-962): PQSSQQQPTP[Val952Met]HAQPPGTPLS

ClinVar aggregate classification (germline): Conflicting classifications of pathogenicity. Review status: criteria provided, conflicting classifications (1 of 4 stars). 5 submissions from 5 submitters: Uncertain significance (2); Benign (1); Likely benign (2). Last evaluated 2024-12-04.

Conditions:
Menke-Hennekam syndrome 1 (MKHK1). Identifiers: MedGen C5193034, MONDO:0020763, OMIM 618332.
Rubinstein-Taybi syndrome due to CREBBP mutations (RSTS1). Also called: Rubinstein-Taybi syndrome 1; CREBBP-Related Rubinstein-Taybi Syndrome; BROAD THUMBS AND GREAT TOES, CHARACTERISTIC FACIES, AND IMPAIRED INTELLECTUAL DEVELOPMENT; RUBINSTEIN SYNDROME; RUBINSTEIN-TAYBI SYNDROME 1, INCOMPLETE; BROAD THUMB-HALLUX SYNDROME. Identifiers: Orphanet 353277, Orphanet 783, MedGen C4551859, MONDO:0008393, OMIM 180849.
CREBBP-related disorder. Also called: CREBBP-related condition; CREBBP-related disorders.
Rubinstein-Taybi syndrome (RSTS). Identifiers: Orphanet 783, MedGen C0035934, MONDO:0019188.
Inborn genetic diseases. Identifiers: MedGen C0950123, MeSH D030342.

Allele frequency attached by ClinVar (database versions not stated): TOPMed 0.00006; gnomAD 0.00007 and 0.00009; ESP Exome Variant Server 0.00008.
gnomAD v4.1: 18 of 1,613,498 alleles (0.0011%); highest among the groups gnomAD compares: African/African-American, 0.019%; 1 homozygote.

Submissions (5):

Labcorp Genetics (formerly Invitae), Labcorp
Classification: Benign for Rubinstein-Taybi syndrome. Last evaluated: 2024-12-04. Review status: criteria provided, single submitter. Criteria: Invitae Variant Classification Sherloc (09022015). Collection method: clinical testing. Allele origin: germline.

PreventionGenetics, part of Exact Sciences
Classification: Likely benign for CREBBP-related condition. Last evaluated: 2024-10-31. Review status: criteria provided, single submitter. Criteria: ACMG Guidelines, 2015. Collection method: clinical testing. Allele origin: germline.
Comment: This variant is classified as likely benign based on ACMG/AMP sequence variant interpretation guidelines (Richards et al. 2015 PMID: 25741868, with internal and published modifications).

Ambry Genetics
Classification: Likely benign for Inborn genetic diseases. Last evaluated: 2024-03-30. Review status: criteria provided, single submitter. Criteria: Ambry Variant Classification Scheme 2023. Collection method: clinical testing. Allele origin: germline.

Fulgent Genetics
Classification: Uncertain significance for Rubinstein-Taybi syndrome due to CREBBP mutations; Menke-Hennekam syndrome 1. Last evaluated: 2022-03-05. Review status: criteria provided, single submitter. Criteria: ACMG Guidelines, 2015. Collection method: clinical testing. Allele origin: unknown.

Baylor Genetics
Classification: Uncertain significance for Rubinstein-Taybi syndrome due to CREBBP mutations. Last evaluated: 2020-11-25. Review status: criteria provided, single submitter. Criteria: ACMG Guidelines, 2015. Collection method: clinical testing. Allele origin: maternal. Affected: yes. Study: CSER-TexasKidsCanSeq.
Comment: This variant was determined to be of uncertain significance according to ACMG Guidelines, 2015 [PMID:25741868].